The following is an entry in ClinVar:

ClinVar aggregate classification (germline): Uncertain significance. Review status: criteria provided, multiple submitters, no conflicts (2 of 4 stars). 2 submissions from 2 submitters: Uncertain significance (2). Last evaluated 2025-04-11.

Conditions:
Inborn genetic diseases. Identifiers: MedGen C0950123, MeSH D030342.

Allele frequency attached by ClinVar (database versions not stated): ExAC 0.00002; TOPMed 0.00002.
gnomAD v4.1: 6 of 1,609,832 alleles (0.00037%); highest among the groups gnomAD compares: Admixed American, 0.01%; no homozygotes.

Submissions (2):

Ambry Genetics
Classification: Uncertain significance for Inborn genetic diseases. Last evaluated: 2025-04-11. Review status: criteria provided, single submitter. Criteria: Ambry Variant Classification Scheme 2023. Collection method: clinical testing. Allele origin: germline.

Labcorp Genetics (formerly Invitae), Labcorp
Classification: Uncertain significance. Last evaluated: 2023-02-09. Review status: criteria provided, single submitter. Criteria: Invitae Variant Classification Sherloc (09022015). Collection method: clinical testing. Allele origin: germline.
Comment: In summary, the available evidence is currently insufficient to determine the role of this variant in disease. Therefore, it has been classified as a Variant of Uncertain Significance. Advanced modeling of protein sequence and biophysical properties (such as structural, functional, and spatial information, amino acid conservation, physicochemical variation, residue mobility, and thermodynamic stability) has been performed at Invitae for this missense variant, however the output from this modeling did not meet the statistical confidence thresholds required to predict the impact of this variant on ANK3 protein function. This variant has not been reported in the literature in individuals affected with ANK3-related conditions. This variant is present in population databases (rs761319946, gnomAD 0.02%). This sequence change replaces serine, which is neutral and polar, with cysteine, which is neutral and slightly polar, at codon 1069 of the ANK3 protein (p.Ser1069Cys).

NM_020987.5(ANK3):c.3206C>G (p.Ser1069Cys)

Gene: ANK3 (ankyrin 3; minus strand). Cytogenetic location: 10q21.2.
Variant type: single nucleotide variant.
Coding change: c.3206C>G on transcript NM_020987.5 (MANE Select); coding-DNA position 3206, C replaced by G.
Protein change: p.Ser1069Cys; replaces serine 1069 with cysteine.
Molecular consequence: missense variant.
Genome position (GRCh38, 1-based): chr10:60,106,027, G>C on the plus strand (C>G on the coding strand, the complement: ANK3 is on the minus strand). VCF-style: chr10-60106027-G-C. GRCh37 (hg19) VCF-style: chr10-61865785-G-C.
Other names: c.3206C>G (NM_020987.3); c.608C>G, p.Ser203Cys (NM_001149.4); c.3188C>G, p.Ser1063Cys (NM_001204403.2); c.3209C>G, p.Ser1070Cys (NM_001204404.2); c.3206C>G, p.Ser1069Cys (NM_001320874.2); short protein forms S1063C, S1069C, S1070C, S203C.
Identifiers: ClinVar variation 2414826 (VCV002414826.7), dbSNP rs761319946, ClinGen allele CA5512528.
Genomic context (GRCh38, chr10:60,106,027, plus strand): 5'-TTCCAAGTTTCACCATTTTCACTTCGAAGAACAATGAGTTCTCTCTCTTTTCCTCTCATG[G>C]ACCCAAAGTGAGGGATTTCCACTATGACAGGGCTGGAAAAAAAATCCACATTATTTTGGT-3'
Protein context (NP_066267.2, residues 1059-1079): PVIVEIPHFG[Ser1069Cys]MRGKERELIV